The following is an entry in ClinVar:

ClinVar aggregate classification (germline): Likely benign. Review status: criteria provided, multiple submitters, no conflicts (2 of 4 stars). 2 submissions from 2 submitters: Likely benign (2). Last evaluated 2025-07-30.

Conditions:
SLC5A7-related disorder. Also called: SLC5A7-related condition.
Neuronopathy, distal hereditary motor, type 7A. Also called: Neuronopathy, distal hereditary motor, type viia; HARPER-YOUNG MYOPATHY; HMN VIIA; SPINAL MUSCULAR ATROPHY, DISTAL, WITH VOCAL CORD PARALYSIS; NEURONOPATHY, DISTAL HEREDITARY MOTOR, HARDING TYPE VIIA; NEUROPATHY, DISTAL HEREDITARY MOTOR, HARDING TYPE VIIA. Identifiers: Orphanet 139589, MedGen C1834703, MONDO:0008024, OMIM 158580.
Congenital myasthenic syndrome 20. Also called: Myasthenic syndrome, congenital, 20, presynaptic. Identifiers: MedGen C4310694, MONDO:0014939, OMIM 617143.

Allele frequency attached by ClinVar (database versions not stated): TOPMed 0.00003; ExAC 0.00004; gnomAD 0.00005 and 0.00006; gnomAD exomes 0.00005 and 0.00016.
gnomAD v4.1: 243 of 1,613,686 alleles (0.015%); highest among the groups gnomAD compares: Non-Finnish European, 0.02%; 2 homozygotes.

Submissions (2):

PreventionGenetics, part of Exact Sciences
Classification: Likely benign for SLC5A7-related condition. Last evaluated: 2025-07-30. Review status: criteria provided, single submitter. Criteria: ACMG Guidelines, 2015. Collection method: clinical testing. Allele origin: germline.
Comment: This variant is classified as likely benign based on ACMG/AMP sequence variant interpretation guidelines (Richards et al. 2015 PMID: 25741868, with internal and published modifications).

Labcorp Genetics (formerly Invitae), Labcorp
Classification: Likely benign for Neuronopathy, distal hereditary motor, type 7A; Congenital myasthenic syndrome 20. Last evaluated: 2025-04-23. Review status: criteria provided, single submitter. Criteria: Invitae Variant Classification Sherloc (09022015). Collection method: clinical testing. Allele origin: germline.

NM_021815.5(SLC5A7):c.1434A>G (p.Pro478=)

Gene: SLC5A7 (solute carrier family 5 member 7; plus strand). Cytogenetic location: 2q12.3.
Variant type: single nucleotide variant.
Coding change: c.1434A>G on transcript NM_021815.5 (MANE Select); coding-DNA position 1434, A replaced by G.
Protein change: p.Pro478=; no amino-acid change (proline 478 retained).
Molecular consequence: synonymous variant.
Genome position (GRCh38, 1-based): chr2:108,010,552, A>G. VCF-style: chr2-108010552-A-G. GRCh37 (hg19) VCF-style: chr2-108627008-A-G.
Other names: c.1434A>G, p.Pro478= (NM_001305005.3); c.1119A>G, p.Pro373= (NM_001305006.3); c.693A>G, p.Pro231= (NM_001305007.3); c.1434A>G (NM_021815.4).
Identifiers: ClinVar variation 706070 (VCV000706070.11), dbSNP rs761926640, ClinGen allele CA1819175.